The following is an entry in ClinVar:

NM_004750.5(CRLF1):c.276C>T (p.Asn92=)

Gene: CRLF1 (cytokine receptor like factor 1; minus strand). Cytogenetic location: 19p13.11.
Variant type: single nucleotide variant.
Coding change: c.276C>T on transcript NM_004750.5 (MANE Select); coding-DNA position 276, C replaced by T.
Protein change: p.Asn92=; no amino-acid change (asparagine 92 retained).
Molecular consequence: synonymous variant.
Genome position (GRCh38, 1-based): chr19:18,599,686, G>A on the plus strand (C>T on the coding strand, the complement: CRLF1 is on the minus strand). VCF-style: chr19-18599686-G-A. GRCh37 (hg19) VCF-style: chr19-18710496-G-A.
Identifiers: ClinVar variation 3047158 (VCV003047158.2), dbSNP rs775994224, ClinGen allele CA306262324.

ClinVar aggregate classification (germline): Likely benign (0 of 4 stars; one submission).

Conditions:
CRLF1-related disorder. Also called: CRLF1-related condition.

Allele frequency attached by ClinVar (database versions not stated): TOPMed below 0.00001; gnomAD 0.00001; gnomAD exomes 0.00001.
gnomAD v4.1: 15 of 1,612,592 alleles (0.00093%); highest among the groups gnomAD compares: East Asian, 0.0022%; no homozygotes.

Submission:

PreventionGenetics, part of Exact Sciences
Classification: Likely benign for CRLF1-related condition. Last evaluated: 2019-04-07. Review status: no assertion criteria provided. Collection method: clinical testing. Allele origin: germline.
Comment: This variant is classified as likely benign based on ACMG/AMP sequence variant interpretation guidelines (Richards et al. 2015 PMID: 25741868, with internal and published modifications).